The following is an entry in ClinVar:

NM_001267550.2(TTN):c.82405C>G (p.Pro27469Ala)

Genes: TTN (titin; minus strand), TTN-AS1 (TTN antisense RNA 1; plus strand). Cytogenetic location: 2q31.2.
Variant type: single nucleotide variant.
Coding change: c.82405C>G on transcript NM_001267550.2 (MANE Select); coding-DNA position 82405, C replaced by G.
Protein change: p.Pro27469Ala; replaces proline 27469 with alanine.
Molecular consequence: missense variant.
Genome position (GRCh38, 1-based): chr2:178,563,727, G>C on the plus strand (C>G on the coding strand, the complement: TTN is on the minus strand). VCF-style: chr2-178563727-G-C. GRCh37 (hg19) VCF-style: chr2-179428454-G-C.
Other names: c.77482C>G, p.Pro25828Ala (NM_001256850.1); c.55210C>G, p.Pro18404Ala (NM_003319.4); c.74701C>G, p.Pro24901Ala (NM_133378.4); c.55585C>G, p.Pro18529Ala (NM_133432.3); c.55786C>G, p.Pro18596Ala (NM_133437.4); short protein forms P24901A, P27469A, P18529A, P25828A, P18404A, P18596A.
Identifiers: ClinVar variation 191879 (VCV000191879.4), dbSNP rs769678793, ClinGen allele CA237770.

ClinVar aggregate classification (germline): Uncertain significance. Review status: criteria provided, multiple submitters, no conflicts (2 of 4 stars). 3 submissions from 3 submitters: Uncertain significance (3). Last evaluated 2024-09-22.

Conditions:
Cardiovascular phenotype. Identifiers: MedGen CN230736.
Dilated cardiomyopathy 1G (CMD1G). Identifiers: Orphanet 154, MedGen C1858763, MONDO:0011400, OMIM 604145.

Allele frequency attached by ClinVar (database versions not stated): gnomAD 0.00001; gnomAD exomes 0.00001 and 0.00006; TOPMed 0.00002; ExAC 0.00004.
gnomAD v4.1: 16 of 1,613,694 alleles (0.00099%); highest among the groups gnomAD compares: East Asian, 0.027%; no homozygotes.

Submissions (3):

Genomic Medicine Center of Excellence, King Faisal Specialist Hospital and Research Centre
Classification: Uncertain significance for Dilated cardiomyopathy 1G. Last evaluated: 2024-09-22. Review status: criteria provided, single submitter. Criteria: ACMG Guidelines, 2015. Collection method: clinical testing. Allele origin: germline.

Ambry Genetics
Classification: Uncertain significance for Cardiovascular phenotype. Last evaluated: 2019-12-12. Review status: criteria provided, single submitter. Criteria: Ambry Variant Classification Scheme 2023. Collection method: clinical testing. Allele origin: germline.
Comment: The p.P18404A variant (also known as c.55210C>G), located in coding exon 153 of the TTN gene, results from a C to G substitution at nucleotide position 55210. The proline at codon 18404 is replaced by alanine, an amino acid with highly similar properties. This amino acid position is not well conserved in available vertebrate species. In addition, this alteration is predicted to be tolerated by in silico analysis. Since supporting evidence is limited at this time, the clinical significance of this alteration remains unclear.

Biesecker Lab/Clinical Genomics Section, National Institutes of Health
Classification: Uncertain significance. Last evaluated: 2013-06-24. Review status: criteria provided, single submitter. Criteria: Ng et al. (Circ Cardiovasc Genet. 2013). Collection method: research. Allele origin: unknown. Observed: 1 variant allele. Study: ClinSeq.
Comment: The study set was not selected for affection status in relation to any cancer. Pathogenicity categories were based on literature curation. See Pubmed ID:23861362 for details.

Medical sequencing